The following is an entry in ClinVar:

ClinVar aggregate classification (germline): Uncertain significance (1 of 4 stars; one submission).

Conditions:
Ataxia-telangiectasia syndrome (AT). Also called: Cerebello-oculocutaneous telangiectasia; Immunodeficiency with ataxia telangiectasia; Ataxia-telangiectasia, complementation group E; Ataxia-telangiectasia, complementation group D; LOUIS-BAR SYNDROME; AT, COMPLEMENTATION GROUP C. Identifiers: Orphanet 100, MedGen C0004135, MONDO:0008840, OMIM 208900.

Submission:

Labcorp Genetics (formerly Invitae), Labcorp
Classification: Uncertain significance for Ataxia-telangiectasia syndrome. Last evaluated: 2024-02-15. Review status: criteria provided, single submitter. Criteria: Invitae Variant Classification Sherloc (09022015). Collection method: clinical testing. Allele origin: germline.
Comment: This sequence change replaces tyrosine, which is neutral and polar, with cysteine, which is neutral and slightly polar, at codon 1433 of the ATM protein (p.Tyr1433Cys). This variant is not present in population databases (gnomAD no frequency). This variant has not been reported in the literature in individuals affected with ATM-related conditions. An algorithm developed to predict the effect of missense changes on protein structure and function (PolyPhen-2) suggests that this variant is likely to be disruptive. In summary, the available evidence is currently insufficient to determine the role of this variant in disease. Therefore, it has been classified as a Variant of Uncertain Significance.

NM_000051.4(ATM):c.4298A>G (p.Tyr1433Cys)

Gene: ATM (ATM serine/threonine kinase; plus strand). Cytogenetic location: 11q22.3.
Variant type: single nucleotide variant.
Coding change: c.4298A>G on transcript NM_000051.4 (MANE Select); coding-DNA position 4298, A replaced by G.
Protein change: p.Tyr1433Cys; replaces tyrosine 1433 with cysteine.
Molecular consequence: missense variant.
Genome position (GRCh38, 1-based): chr11:108,289,663, A>G. VCF-style: chr11-108289663-A-G. GRCh37 (hg19) VCF-style: chr11-108160390-A-G.
Other names: c.4298A>G, p.Tyr1433Cys (NM_001351834.2); short protein forms Y1433C.
Identifiers: ClinVar variation 2838588 (VCV002838588.3), dbSNP rs2135760976, ClinGen allele CA382531543.
Genomic context (GRCh38, chr11:108,289,663, plus strand): 5'-ATTCCTATCAGAAAATTCTTCTTGCCATATGTGAGCAAGCAGCTGAAACAAATAATGTTT[A>G]TAAGAAGCACAGAATTCTTAAAATATATCACCTGTTTGTTAGTTTATTACTGAAAGATAT-3'
Protein context (NP_000042.3, residues 1423-1443): CEQAAETNNV[Tyr1433Cys]KKHRILKIYH